The following is an entry in ClinVar:

NM_016169.4(SUFU):c.*6G>T

Gene: SUFU (SUFU negative regulator of hedgehog signaling; plus strand). Cytogenetic location: 10q24.32.
Variant type: single nucleotide variant.
Coding change: c.*6G>T on transcript NM_016169.4 (MANE Select); 6 bases downstream of the stop codon, G replaced by T.
Molecular consequence: 3 prime UTR variant.
Genome position (GRCh38, 1-based): chr10:102,630,161, G>T. VCF-style: chr10-102630161-G-T. GRCh37 (hg19) VCF-style: chr10-104389918-G-T.
Identifiers: ClinVar variation 4074634 (VCV004074634.1).

ClinVar aggregate classification (germline): Uncertain significance (1 of 4 stars; one submission).

gnomAD v4.1: 14 of 1,613,666 alleles (0.00087%); highest among the groups gnomAD compares: African/African-American, 0.019%; no homozygotes.

Submission:

GeneDx
Classification: Uncertain significance. Last evaluated: 2025-02-05. Review status: criteria provided, single submitter. Criteria: GeneDx Variant Classification Process June 2021. Collection method: clinical testing. Allele origin: germline. Affected: yes.
Comment: Has not been previously published as pathogenic or benign to our knowledge; Located in a regulatory region; in the absence of functional studies, the actual effect of this sequence change is unknown